The following is an entry in ClinVar:

NM_002529.4(NTRK1):c.1710_1738del (p.Gln570fs)

Gene: NTRK1 (neurotrophic receptor tyrosine kinase 1; plus strand). Cytogenetic location: 1q23.1.
Variant type: Deletion.
Coding change: c.1710_1738del on transcript NM_002529.4 (MANE Select); coding-DNA positions 1710 to 1738, 29 bases deleted (GCACATCGTGCGCTTCTTCGGCGTCTGCA).
Protein change: p.Gln570fs; shifts the reading frame from glutamine 570.
Molecular consequence: frameshift variant.
Genome position (GRCh38, 1-based): chr1:156,876,477-156,876,505, GCACATCGTGCGCTTCTTCGGCGTCTGCA deleted; deleting any 29 consecutive bases within chr1:156,876,475-156,876,505 gives the same sequence; the c. name uses the placement nearest the transcript's 3' end. VCF-style (leftmost placement, unchanged base first): chr1-156876474-CCAGCACATCGTGCGCTTCTTCGGCGTCTG-C. GRCh37 (hg19) VCF-style: chr1-156846266-CCAGCACATCGTGCGCTTCTTCGGCGTCTG-C.
Other names: c.1710_1738del29, p.Gln570Hisfs (NM_001007204.1); c.1602_1630del, p.Gln534fs (NM_001007792.1); c.1692_1720del, p.Gln564fs (NM_001012331.2); short protein forms Q564fs, Q534fs, Q570fs.
Identifiers: ClinVar variation 2154152 (VCV002154152.5), dbSNP rs747947642, ClinGen allele CA1169443.
Genomic context (GRCh38, chr1:156,876,474, plus strand): 5'-GTCCGAGAGTGCTCGGCAGGACTTCCAGCGTGAGGCTGAGCTGCTCACCATGCTGCAGCA[CCAGCACATCGTGCGCTTCTTCGGCGTCTG>C]CACCGAGGGCCGCCCCCTGCTCATGGTCTTTGAGTATATGCGGCACGGGGACCTCAACCG-3'

ClinVar aggregate classification (germline): Pathogenic/Likely pathogenic. Review status: criteria provided, multiple submitters, no conflicts (2 of 4 stars). 2 submissions from 2 submitters: Pathogenic (1); Likely pathogenic (1). Last evaluated 2025-09-02.

Conditions:
Hereditary insensitivity to pain with anhidrosis (CIPA). Also called: INSENSITIVITY TO PAIN, CONGENITAL, WITH ANHIDROSIS; NTRK1 Congenital Insensitivity to Pain with Anhidrosis; HSAN Type IV; hereditary sensory and autonomic neuropathy type 4; FAMILIAL DYSAUTONOMIA, TYPE II; NEUROPATHY, CONGENITAL SENSORY, WITH ANHIDROSIS. Identifiers: Orphanet 642, MedGen C0020074, MONDO:0009746, OMIM 256800.

Submissions (2):

Labcorp Genetics (formerly Invitae), Labcorp
Classification: Pathogenic for Hereditary insensitivity to pain with anhidrosis. Last evaluated: 2025-09-02. Review status: criteria provided, single submitter. Criteria: Invitae Variant Classification Sherloc (09022015). Collection method: clinical testing. Allele origin: germline.
Comment: This sequence change creates a premature translational stop signal (p.Gln564Hisfs*11) in the NTRK1 gene. It is expected to result in an absent or disrupted protein product. Loss-of-function variants in NTRK1 are known to be pathogenic (PMID: 10982191). This variant is present in population databases (rs747947642, gnomAD 0.0009%). This variant has not been reported in the literature in individuals affected with NTRK1-related conditions. ClinVar contains an entry for this variant (Variation ID: 2154152). For these reasons, this variant has been classified as Pathogenic.

Fulgent Genetics
Classification: Likely pathogenic for Hereditary insensitivity to pain with anhidrosis. Last evaluated: 2024-05-09. Review status: criteria provided, single submitter. Criteria: ACMG Guidelines, 2015. Collection method: clinical testing. Allele origin: germline.

Literature cited by the submitters: PubMed 10982191 (cited by Labcorp Genetics (formerly Invitae), Labcorp).